The following is an entry in ClinVar:

ClinVar aggregate classification (germline): Uncertain significance. Review status: criteria provided, multiple submitters, no conflicts (2 of 4 stars). 2 submissions from 2 submitters: Uncertain significance (2). Last evaluated 2025-07-23.

Conditions:
Inborn genetic diseases. Identifiers: MedGen C0950123, MeSH D030342.

Allele frequency attached by ClinVar (database versions not stated): gnomAD exomes 0.00005; TOPMed 0.00004; gnomAD 0.00004; ExAC 0.00007.
gnomAD v4.1: 80 of 1,614,034 alleles (0.005%); highest among the groups gnomAD compares: Middle Eastern, 0.016%; no homozygotes.

Submissions (2):

Labcorp Genetics (formerly Invitae), Labcorp
Classification: Uncertain significance. Last evaluated: 2025-07-23. Review status: criteria provided, single submitter. Criteria: Invitae Variant Classification Sherloc (09022015). Collection method: clinical testing. Allele origin: germline.
Comment: This sequence change replaces arginine, which is basic and polar, with histidine, which is basic and polar, at codon 1338 of the MYH3 protein (p.Arg1338His). This variant is present in population databases (rs761937084, gnomAD 0.01%). This variant has not been reported in the literature in individuals affected with MYH3-related conditions. ClinVar contains an entry for this variant (Variation ID: 2987017). Invitae Evidence Modeling of protein sequence and biophysical properties (such as structural, functional, and spatial information, amino acid conservation, physicochemical variation, residue mobility, and thermodynamic stability) indicates that this missense variant is not expected to disrupt MYH3 protein function with a negative predictive value of 95%. In summary, the available evidence is currently insufficient to determine the role of this variant in disease. Therefore, it has been classified as a Variant of Uncertain Significance.

Ambry Genetics
Classification: Uncertain significance for Inborn genetic diseases. Last evaluated: 2023-10-03. Review status: criteria provided, single submitter. Criteria: Ambry Variant Classification Scheme 2023. Collection method: clinical testing. Allele origin: germline.

NM_002470.4(MYH3):c.4013G>A (p.Arg1338His)

Gene: MYH3 (myosin heavy chain 3; minus strand). Cytogenetic location: 17p13.1.
Variant type: single nucleotide variant.
Coding change: c.4013G>A on transcript NM_002470.4 (MANE Select); coding-DNA position 4013, G replaced by A.
Protein change: p.Arg1338His; replaces arginine 1338 with histidine.
Molecular consequence: missense variant.
Genome position (GRCh38, 1-based): chr17:10,635,526, C>T on the plus strand (G>A on the coding strand, the complement: MYH3 is on the minus strand). VCF-style: chr17-10635526-C-T. GRCh37 (hg19) VCF-style: chr17-10538843-C-T.
Other names: c.4013G>A (NM_002470.3); short protein forms R1338H.
Identifiers: ClinVar variation 2987017 (VCV002987017.4), dbSNP rs761937084, ClinGen allele CA8392326.